The following is an entry in ClinVar:

ClinVar aggregate classification (germline): Likely benign. Review status: criteria provided, multiple submitters, no conflicts (2 of 4 stars). 3 submissions from 3 submitters: Likely benign (3). Last evaluated 2025-07-29.

Conditions:
Hereditary cancer-predisposing syndrome. Also called: Tumor predisposition; Hereditary Cancer Syndrome; Hereditary neoplastic syndrome; Neoplastic Syndromes, Hereditary. Identifiers: Orphanet 140162, MedGen C0027672, MeSH D009386, MONDO:0015356.
POLD1-related polyposis and colorectal cancer syndrome (CRCS10). Also called: Colorectal cancer 10; COLORECTAL CANCER, SUSCEPTIBILITY TO, ON CHROMOSOME 19q; Colorectal cancer, susceptibility to, 10. Identifiers: Orphanet 220460, MedGen C2675481, MONDO:0012953, OMIM 612591.

Submissions (3):

Women's Health and Genetics/Laboratory Corporation of America, LabCorp
Classification: Likely benign. Last evaluated: 2025-07-29. Review status: criteria provided, single submitter. Criteria: LabCorp Variant Classification Summary - May 2015. Collection method: clinical testing. Allele origin: germline.
Comment: Variant summary: POLD1 c.1857C>T alters a conserved nucleotide resulting in a synonymous change. Consensus agreement among computation tools predict no significant impact on normal splicing. However, these predictions have yet to be confirmed by functional studies. The variant was absent in 250674 control chromosomes. The available data on variant occurrences in the general population are insufficient to allow any conclusion about variant significance. To our knowledge, no occurrence of c.1857C>T in individuals affected with Colorectal Cancer and no experimental evidence demonstrating its impact on protein function have been reported. ClinVar contains an entry for this variant (Variation ID: 484425). Based on the evidence outlined above, the variant was classified as likely benign.

Labcorp Genetics (formerly Invitae), Labcorp
Classification: Likely benign for POLD1-related polyposis and colorectal cancer syndrome. Last evaluated: 2025-01-22. Review status: criteria provided, single submitter. Criteria: Invitae Variant Classification Sherloc (09022015). Collection method: clinical testing. Allele origin: germline.

Ambry Genetics
Classification: Likely benign for Hereditary cancer-predisposing syndrome. Last evaluated: 2017-04-03. Review status: criteria provided, single submitter. Criteria: Ambry Variant Classification Scheme 2023. Collection method: clinical testing. Allele origin: germline.

NM_002691.4(POLD1):c.1857C>T (p.Thr619=)

Gene: POLD1 (DNA polymerase delta 1, catalytic subunit; plus strand). Cytogenetic location: 19q13.33.
Variant type: single nucleotide variant.
Coding change: c.1857C>T on transcript NM_002691.4 (MANE Select); coding-DNA position 1857, C replaced by T.
Protein change: p.Thr619=; no amino-acid change (threonine 619 retained).
Molecular consequence: synonymous variant. On other transcripts: non-coding transcript variant (1).
Genome position (GRCh38, 1-based): chr19:50,408,866, C>T. VCF-style: chr19-50408866-C-T. GRCh37 (hg19) VCF-style: chr19-50912123-C-T.
Other names: c.1857C>T, p.Thr619= (NM_001256849.1); c.1935C>T, p.Thr645= (NM_001308632.1).
Identifiers: ClinVar variation 484425 (VCV000484425.14), dbSNP rs1555791795, ClinGen allele CA508305046.